The following is an entry in ClinVar:

NM_000180.4(GUCY2D):c.1956+1G>A

Gene: GUCY2D (guanylate cyclase 2D, retinal; plus strand). Cytogenetic location: 17p13.1.
Variant type: single nucleotide variant.
Coding change: c.1956+1G>A on transcript NM_000180.4 (MANE Select); the canonical splice donor site of the intron after coding-DNA position 1956, G replaced by A.
Molecular consequence: splice donor variant.
Genome position (GRCh38, 1-based): chr17:8,012,351, G>A. VCF-style: chr17-8012351-G-A. GRCh37 (hg19) VCF-style: chr17-7915669-G-A.
Identifiers: ClinVar variation 3583120 (VCV003583120.1).

ClinVar aggregate classification (germline): Pathogenic. Review status: reviewed by expert panel (3 of 4 stars). 2 submissions from 2 submitters: Pathogenic (1). 1 of the submissions does not count toward it. Last evaluated 2025-01-31.

Conditions:
GUCY2D-related recessive retinopathy. Also called: Recessive GUCY2D retinopathy. Identifiers: MedGen CN305603, MONDO:0100453.
Leber congenital amaurosis 1 (LCA1). Also called: AMAUROSIS CONGENITA OF LEBER I; RETINAL BLINDNESS, CONGENITAL; Congenital absence of the rods and cones; Leber's congenital tapetoretinal degeneration; Leber's congenital tapetoretinal dysplasia. Identifiers: Orphanet 65, MedGen C2931258, MONDO:0008764, OMIM 204000.
Cone-rod dystrophy 6 (CORD6). Also called: RETINAL CONE DYSTROPHY 2; Cone dystrophy progressive. Identifiers: Orphanet 1872, MedGen C1866293, MONDO:0011143, OMIM 601777.
Night blindness, congenital stationary, type1i. Also called: NIGHT BLINDNESS, CONGENITAL STATIONARY, TYPE 1I. Identifiers: MedGen C5231408, MONDO:0032811, OMIM 618555.
Choroidal dystrophy, central areolar, 1. Identifiers: Orphanet 75377, MedGen C4551884, MONDO:0024539, OMIM 215500.

gnomAD v4.1: 1 of 1,612,348 alleles (0.000062%); highest among the groups gnomAD compares: Non-Finnish European, 0.000085%; no homozygotes.

Submissions (2):

ClinGen Leber Congenital Amaurosis/early Onset Retinal Dystrophy Variant Curation Expert Panel, ClinGen
Classification: Pathogenic for GUCY2D-related recessive retinopathy. Last evaluated: 2025-01-31. Review status: reviewed by expert panel. Criteria: ClinGen LCAeoRD ACMG Specifications GUCY2D V1.0.0. Collection method: curation. Allele origin: germline. Inheritance: Autosomal recessive inheritance.
Comment: The NM_000180.4(GUCY2D):c.1956+1G>A variant disrupts a canonical splice site in intron 9 and is predicted to lead to in-frame skipping of a critical exon (PVS1). This variant is present in gnomAD v.4.1.0 at an allele frequency of 6.202e-7, with 1 allele / 1612348 total alleles, which is lower than the ClinGen LCA/eoRD VCEP PM2_Supporting threshold of <0.0004 (PM2_Supporting). This variant has been reported in at least 1 proband with early-onset severe retinal dystrophy who was compound heterozygous with the NM_000180.4(GUCY2D):c.1672G>A (p.Asp558Asn) and NM_000180.4(GUCY2D):c.1245del (p.Phe415fs) variants confirmed in trans (1 point, PMID: 32865313), one of which was previously classified pathogenic by the ClinGen LCA/eoRD VCEP (1 1 point, PM3). The variant has been reported to segregate with childhood-onset severe retinal dystrophy through the proband plus 1 similarly affected relative, with the variant present in the compound heterozygous state (PMID: 32865313, PP1). In summary, this variant meets the criteria to be classified as pathogenic for GUCY2D-related recessive retinopathy based on the ACMG/AMP criteria applied, as specified by the ClinGen LCA/eoRD VCEP: PVS1, PM2_Supporting, PM3, and PP1. (VCEP specifications version 1.0.0; date of approval 01/22/2025).

Fulgent Genetics
Classification: Likely pathogenic for Leber congenital amaurosis 1; Choroidal dystrophy, central areolar, 1; Cone-rod dystrophy 6; Night blindness, congenital stationary, type1i. Last evaluated: 2024-04-23. Review status: criteria provided, single submitter. Criteria: ACMG Guidelines, 2015. Collection method: clinical testing. Allele origin: germline. Not counted in ClinVar's aggregate classification.